The following is an entry in ClinVar:

ClinVar aggregate classification (germline): Likely benign (1 of 4 stars; one submission).

Conditions:
TRIM8-related disorder. Also called: TRIM8-related condition.

Submission:

PreventionGenetics, part of Exact Sciences
Classification: Likely benign for TRIM8-related condition. Last evaluated: 2025-05-21. Review status: criteria provided, single submitter. Criteria: ACMG Guidelines, 2015. Collection method: clinical testing. Allele origin: germline.
Comment: This variant is classified as likely benign based on ACMG/AMP sequence variant interpretation guidelines (Richards et al. 2015 PMID: 25741868, with internal and published modifications).

NM_030912.3(TRIM8):c.933-3C>T

Gene: TRIM8 (tripartite motif containing 8; plus strand). Cytogenetic location: 10q24.32.
Variant type: single nucleotide variant.
Coding change: c.933-3C>T on transcript NM_030912.3 (MANE Select); 3 bases into the intron before coding-DNA position 933, C replaced by T.
Molecular consequence: intron variant. On other transcripts: non-coding transcript variant (1).
Genome position (GRCh38, 1-based): chr10:102,656,267, C>T. VCF-style: chr10-102656267-C-T. GRCh37 (hg19) VCF-style: chr10-104416024-C-T.
Other names: c.837-3C>T (NM_001345950.1).
Identifiers: ClinVar variation 4985059 (VCV004985059.1).
Genomic context (GRCh38, chr10:102,656,267, plus strand): 5'-GGAGGTAGGGCGGGCTCACCGGTGATGCCTCCTCACAGCAGATGCCCCGTCCACTGCCCC[C>T]AGGACCCAGACCTGCACGAGCAGCAGCCTTTCCCCCACTAAGATCGGCCACCTGAACTCC-3'